The following is an entry in ClinVar:

ClinVar aggregate classification (germline): Uncertain significance. Review status: criteria provided, multiple submitters, no conflicts (2 of 4 stars). 3 submissions from 3 submitters: Uncertain significance (3). Last evaluated 2025-08-11.

Conditions:
TTN-related disorder. Also called: TTN-related condition; TTN-related disease; TTN-related disorders.
Early-onset myopathy with fatal cardiomyopathy (CMYO5). Also called: Salih Myopathy; CONGENITAL MYOPATHY 5 WITH CARDIOMYOPATHY. Identifiers: Orphanet 289377, MedGen C2673677, MONDO:0012714, OMIM 611705. Disease mechanism: loss of function.
Dilated cardiomyopathy 1G (CMD1G). Identifiers: Orphanet 154, MedGen C1858763, MONDO:0011400, OMIM 604145.
Autosomal recessive limb-girdle muscular dystrophy type 2J (LGMDR10). Also called: Limb-girdle muscular dystrophy, type 2J; MUSCULAR DYSTROPHY, LIMB-GIRDLE, AUTOSOMAL RECESSIVE 10. Identifiers: Orphanet 140922, MedGen C1837342, MONDO:0012127, OMIM 608807.
Hypertrophic cardiomyopathy 9. Also called: Familial hypertrophic cardiomyopathy 9. Identifiers: MedGen C1861065, MONDO:0013412, OMIM 613765.
Tibial muscular dystrophy (TMD). Also called: UDD MYOPATHY; Tibial muscular dystrophy, tardive; Udd Distal Myopathy – Tibial Muscular Dystrophy. Identifiers: Orphanet 609, MedGen C1838244, MONDO:0010870, OMIM 600334.
Myopathy, myofibrillar, 9, with early respiratory failure (MFM9). Also called: Hereditary myopathy with early respiratory failure; MYOPATHY, PROXIMAL, WITH EARLY RESPIRATORY MUSCLE INVOLVEMENT; Myopathy, distal, with early respiratory failure, autosomal dominant; EDSTROM MYOPATHY. Identifiers: Orphanet 178464, Orphanet 34521, MedGen C1863599, MONDO:0011362, OMIM 603689.

Allele frequency attached by ClinVar (database versions not stated): gnomAD 0.00001 and 0.00002; gnomAD exomes 0.00002; TOPMed 0.00002; ESP Exome Variant Server 0.00008.
gnomAD v4.1: 12 of 1,612,530 alleles (0.00074%); highest among the groups gnomAD compares: East Asian, 0.0089%; no homozygotes.

Submissions (3):

PreventionGenetics, part of Exact Sciences
Classification: Uncertain significance for TTN-related condition. Last evaluated: 2025-08-11. Review status: criteria provided, single submitter. Criteria: ACMG Guidelines, 2015. Collection method: clinical testing. Allele origin: germline.
Comment: The TTN c.13444A>G variant is predicted to result in the amino acid substitution p.Ile4482Val. To our knowledge, this variant has not been reported in the literature. This variant is also referred to as c.13444A>G (p.Ile4482Val) in the Novex-3 transcript NM_133379. This variant is located in exon 46 of the Novex-3 transcript (minor small cardiac isoform) which is the last exon of this transcript. This exon is not included in any other TTN transcripts (principle cardiac or skeletal muscle isoforms). This variant is reported in 0.015% of alleles in individuals of East Asian descent in gnomAD. At this time, the clinical significance of this variant is uncertain due to the absence of conclusive functional and genetic evidence.

Fulgent Genetics
Classification: Uncertain significance for Tibial muscular dystrophy; Myopathy, myofibrillar, 9, with early respiratory failure; Dilated cardiomyopathy 1G; Autosomal recessive limb-girdle muscular dystrophy type 2J; Early-onset myopathy with fatal cardiomyopathy; Hypertrophic cardiomyopathy 9. Last evaluated: 2021-10-22. Review status: criteria provided, single submitter. Criteria: ACMG Guidelines, 2015. Collection method: clinical testing. Allele origin: unknown.

Laboratory for Molecular Medicine, Mass General Brigham Personalized Medicine
Classification: Uncertain significance. Last evaluated: 2014-07-11. Review status: criteria provided, single submitter. Criteria: LMM Criteria. Collection method: clinical testing. Allele origin: germline. Observed: 1 variant allele.
Comment: The Ile4482Val variant in TTN has not been previously reported in individuals wi th cardiomyopathy, but has been identified in 1/8594 of European American chromo somes by the NHLBI Exome Sequencing Project (dbSNP rs149169686). Computational analyses and conservation information are limi ted or unavailable for this variant. In summary, the clinical significance of th e Ile4482Val variant is uncertain.

NM_133379.5(TTN):c.13444A>G (p.Ile4482Val)

Gene: TTN (titin; minus strand). Cytogenetic location: 2q31.2.
Variant type: single nucleotide variant.
Coding change: c.13444A>G on transcript NM_133379.5; coding-DNA position 13444, A replaced by G.
Protein change: p.Ile4482Val; replaces isoleucine 4482 with valine.
Molecular consequence: missense variant. On other transcripts: intron variant (6).
Genome position (GRCh38, 1-based): chr2:178,748,956, T>C on the plus strand (A>G on the coding strand, the complement: TTN is on the minus strand). VCF-style: chr2-178748956-T-C. GRCh37 (hg19) VCF-style: chr2-179613683-T-C.
Other names: c.10222+4168A>G (NM_003319.4); c.10798+4168A>G (NM_133437.4); c.10597+4168A>G (NM_133432.3); c.10360+4168A>G (NM_133378.4, NM_001256850.1); c.11311+4168A>G (NM_001267550.2); c.13444A>G (NM_133379.4); short protein forms I4482V.
Identifiers: ClinVar variation 166264 (VCV000166264.7), dbSNP rs149169686, ClinGen allele CA179109.
Genomic context (GRCh38, chr2:178,748,956, plus strand): 5'-ATTCTCTTTGCTTTAATGAAAAGGCTTTGTCATCAATCTTCTTTTGAGGAGGATTAACAA[T>C]TGATGTTCTGGTAGGTCTTTTTTCTAGAACTCCTTTTTCTACATGTAATTTTTCAAATTC-3'